The following is an entry in ClinVar:

ClinVar aggregate classification (germline): Uncertain significance. Review status: criteria provided, multiple submitters, no conflicts (2 of 4 stars). 2 submissions from 2 submitters: Uncertain significance (2). Last evaluated 2025-05-04.

Conditions:
Hereditary cancer-predisposing syndrome. Also called: Hereditary neoplastic syndrome; Tumor predisposition; Neoplastic Syndromes, Hereditary; Hereditary Cancer Syndrome. Identifiers: Orphanet 140162, MedGen C0027672, MeSH D009386, MONDO:0015356.

Submissions (2):

Ambry Genetics
Classification: Uncertain significance for Hereditary cancer-predisposing syndrome. Last evaluated: 2025-05-04. Review status: criteria provided, single submitter. Criteria: Ambry Variant Classification Scheme 2023. Collection method: clinical testing. Allele origin: germline.
Comment: The p.P190A variant (also known as c.568C>G), located in coding exon 5 of the POT1 gene, results from a C to G substitution at nucleotide position 568. The proline at codon 190 is replaced by alanine, an amino acid with highly similar properties. This amino acid position is conserved. In addition, this alteration is predicted to be tolerated by in silico analysis. Based on the available evidence, the clinical significance of this variant remains unclear.

GeneDx
Classification: Uncertain significance. Last evaluated: 2022-01-03. Review status: criteria provided, single submitter. Criteria: GeneDx Variant Classification Process June 2021. Collection method: clinical testing. Allele origin: germline. Affected: yes.
Comment: Not observed at significant frequency in large population cohorts (gnomAD); In silico analysis supports that this missense variant has a deleterious effect on protein structure/function; Has not been previously published as pathogenic or benign to our knowledge; This variant is associated with the following publications: (PMID: 28393830)

NM_015450.3(POT1):c.568C>G (p.Pro190Ala)

Gene: POT1 (protection of telomeres 1; minus strand). Cytogenetic location: 7q31.33.
Variant type: single nucleotide variant.
Coding change: c.568C>G on transcript NM_015450.3 (MANE Select); coding-DNA position 568, C replaced by G.
Protein change: p.Pro190Ala; replaces proline 190 with alanine.
Molecular consequence: missense variant. On other transcripts: non-coding transcript variant (3).
Genome position (GRCh38, 1-based): chr7:124,859,091, G>C on the plus strand (C>G on the coding strand, the complement: POT1 is on the minus strand). VCF-style: chr7-124859091-G-C. GRCh37 (hg19) VCF-style: chr7-124499145-G-C.
Other names: c.175C>G, p.Pro59Ala (NM_001042594.2); short protein forms P190A, P59A.
Identifiers: ClinVar variation 1693427 (VCV001693427.3), dbSNP rs1271909948, ClinGen allele CA369056779.